The following is an entry in ClinVar:

NM_001286.5(CLCN6):c.2368C>G (p.Leu790Val)

Gene: CLCN6 (Cl-/H+ antiporter 6; plus strand). Cytogenetic location: 1p36.22.
Variant type: single nucleotide variant.
Coding change: c.2368C>G on transcript NM_001286.5 (MANE Select); coding-DNA position 2368, C replaced by G.
Protein change: p.Leu790Val; replaces leucine 790 with valine.
Molecular consequence: missense variant. On other transcripts: non-coding transcript variant (1).
Genome position (GRCh38, 1-based): chr1:11,838,407, C>G. VCF-style: chr1-11838407-C-G. GRCh37 (hg19) VCF-style: chr1-11898464-C-G.
Other names: c.2302C>G, p.Leu768Val (NM_001256959.2); short protein forms L768V, L790V.
Identifiers: ClinVar variation 4772696 (VCV004772696.1).

ClinVar aggregate classification (germline): Uncertain significance (1 of 4 stars; one submission).

gnomAD v4.1: 6 of 1,614,092 alleles (0.00037%); highest among the groups gnomAD compares: Non-Finnish European, 0.00051%; no homozygotes.

Submission:

Labcorp Genetics (formerly Invitae), Labcorp
Classification: Uncertain significance. Last evaluated: 2025-04-02. Review status: criteria provided, single submitter. Criteria: Invitae Variant Classification Sherloc (09022015). Collection method: clinical testing. Allele origin: germline.
Comment: This sequence change replaces leucine, which is neutral and non-polar, with valine, which is neutral and non-polar, at codon 790 of the CLCN6 protein (p.Leu790Val). This variant is present in population databases (no rsID available, gnomAD 0.0009%). This variant has not been reported in the literature in individuals affected with CLCN6-related conditions. An algorithm developed to predict the effect of missense changes on protein structure and function (PolyPhen-2) suggests that this variant is likely to be tolerated. In summary, the available evidence is currently insufficient to determine the role of this variant in disease. Therefore, it has been classified as a Variant of Uncertain Significance.